The following is an entry in ClinVar:

NM_000492.4(CFTR):c.2758G>A (p.Val920Met)

Gene: CFTR (CF transmembrane conductance regulator; plus strand). Cytogenetic location: 7q31.2.
Variant type: single nucleotide variant.
Coding change: c.2758G>A on transcript NM_000492.4 (MANE Select); coding-DNA position 2758, G replaced by A.
Protein change: p.Val920Met; replaces valine 920 with methionine.
Molecular consequence: missense variant.
Genome position (GRCh38, 1-based): chr7:117,603,632, G>A. VCF-style: chr7-117603632-G-A. GRCh37 (hg19) VCF-style: chr7-117243686-G-A.
Other names: short protein forms V920M.
Identifiers: ClinVar variation 53561 (VCV000053561.45), dbSNP rs373885282, ClinGen allele CA326916.

ClinVar aggregate classification (germline): Conflicting classifications of pathogenicity. Review status: criteria provided, conflicting classifications (1 of 4 stars). 15 submissions from 15 submitters: Pathogenic (1); Uncertain significance (11). 3 of the submissions do not count toward it. Last evaluated 2026-07-15.

Conditions:
CFTR-related disorder (CFTR-RD). Also called: CFTR-related condition; CFTR-related disorders. Identifiers: MedGen C5924204, MONDO:7770004.
Bronchiectasis with or without elevated sweat chloride 1 (BESC1). Also called: Cystic Fibrosis-Like Syndrome. Identifiers: Orphanet 60033, MedGen C2749757, MONDO:0008887, OMIM 211400.
Congenital bilateral aplasia of vas deferens from CFTR mutation (CBAVD). Identifiers: Orphanet 48, MedGen C0403814, MONDO:0010178, OMIM 277180. Disease mechanism: loss of function.
Cystic fibrosis (CF). Also called: MUCOVISCIDOSIS. Identifiers: Orphanet 586, MedGen C0010674, MONDO:0009061, OMIM 219700. Disease mechanism: loss of function.
Hereditary pancreatitis (PCTT). Also called: PRSS1-Related Hereditary Pancreatitis; Hereditary chronic pancreatitis. Identifiers: Orphanet 676, MedGen C0238339, MONDO:0008185, OMIM 167800.

Allele frequency attached by ClinVar (database versions not stated): gnomAD 0.00003; TOPMed 0.00008; ESP Exome Variant Server 0.00008.
gnomAD v4.1: 147 of 1,613,920 alleles (0.0091%); highest among the groups gnomAD compares: South Asian, 0.059%; 2 homozygotes.

Submissions 1 to 6 of 15:

GeneDx
Classification: Uncertain significance. Last evaluated: 2026-07-15. Review status: criteria provided, single submitter. Criteria: GeneDx Variant Classification Process June 2021. Collection method: clinical testing. Allele origin: germline.
Comment: Observed with a CFTR variant in cis and an additional CF-causing variant in trans in an individual with meconium ileus, pancreatic insufficiency, nasal polyposis, pulmonary symptoms, and a positive sweat chloride test (PMID: 28603918); Observed both with and without additional CFTR variants in individuals with non classic cystic fibrosis, congenital absence of the vas deferens, pancreatitis, or bronchiectasis (PMID: 16134171, 22020151, 14526128, 28603918, 12167682); In silico analysis suggests that this missense variant does not alter protein structure/function; This variant is associated with the following publications: (PMID: 15241793, 25087612, 9881185, 14526128, 20717170, 16134171, 20021716, 22020151, 21184098, 26436105, 20059485, 23951356, 12167682, 10923036, 33083013, 34996830, 35313924, 31655510, 38590877, 38388235, 28603918, 40605553)

Labcorp Genetics (formerly Invitae), Labcorp
Classification: Uncertain significance for Cystic fibrosis. Last evaluated: 2026-01-17. Review status: criteria provided, single submitter. Criteria: Invitae Variant Classification Sherloc (09022015). Collection method: clinical testing. Allele origin: germline.
Comment: This sequence change replaces valine, which is neutral and non-polar, with methionine, which is neutral and non-polar, at codon 920 of the CFTR protein (p.Val920Met). This variant is present in population databases (rs373885282, gnomAD 0.06%), including at least one homozygous and/or hemizygous individual. This missense change has been observed in individual(s) with cystic fibrosis, congenital absence of the vas deferens, and idiopathic pancreatitis (PMID: 10923036, 14526128, 23951356, 36409994). ClinVar contains an entry for this variant (Variation ID: 53561). Invitae Evidence Modeling of protein sequence and biophysical properties (such as structural, functional, and spatial information, amino acid conservation, physicochemical variation, residue mobility, and thermodynamic stability) indicates that this missense variant is expected to disrupt CFTR protein function with a positive predictive value of 80%. In summary, the available evidence is currently insufficient to determine the role of this variant in disease. Therefore, it has been classified as a Variant of Uncertain Significance.

Women's Health and Genetics/Laboratory Corporation of America, LabCorp
Classification: Uncertain significance. Last evaluated: 2025-08-19. Review status: criteria provided, single submitter. Criteria: LabCorp Variant Classification Summary - May 2015. Collection method: clinical testing. Allele origin: germline.
Comment: Variant summary: CFTR c.2758G>A (p.Val920Met) results in a conservative amino acid change located in the ABC transporter type 1, transmembrane domain (IPR011527) of the encoded protein sequence. Algorithms developed to predict the effect of missense changes on protein structure and function are either unavailable or do not agree on the potential impact of this missense change. The variant allele was found at a frequency of 0.00014 in 252114 control chromosomes in the gnomAD database, including 1 homozygotes. This frequency is not significantly higher than estimated for a pathogenic variant in CFTR causing Non-Classic Cystic Fibrosis (0.00014 vs 0.013), allowing no conclusion about variant significance. c.2758G>A has been reported in the literature in compound heterozygosity with p.F508del in individuals affected with Non-Classic Cystic Fibrosis or congenital absence of the vas deferens (Claustres_2000), with p.F508del and the 5T/13TG allele in an individual with Non-Classic Cystic Fibrosis (Groman_2002), and with 5T/13TG in an individual with a CFTR-related disorder (Trujillano_2013, Trujillano_2015). It has also been reported in individuals with chronic pancreatitis (Cohn_2005, Masson_2013), hyperechogenic fetal bowel (Rene_2011, deBecdelievre_2011), and in the heterozygous state without a second pathogenic variant specified in individuals with CFTR-related disorders (e.g. Amato_2012, Salinas_2023) as well as a healthy control individual (Steiner_2011). These data indicate that the variant may be associated with disease. At least one publication reports experimental evidence evaluating an impact on protein function. The most pronounced variant effect resulted in approximately (Gt channel conductance) 37% of normal chloride channel conductance relative to wild type (e.g., Bihler_2024). The following publications have been ascertained in the context of this evaluation (PMID: 22020151, 33083013, 10923036, 16134171, 12167682, 23951356, 20717170, 36409994, 21520337, 23687349, 26436105, 21184098, 38388235, 38662334). ClinVar contains an entry for this variant (Variation ID: 53561). Based on the evidence outlined above, the variant was classified as VUS-possibly pathogenic.

Mayo Clinic Laboratories, Mayo Clinic
Classification: Uncertain significance. Last evaluated: 2024-10-23. Review status: criteria provided, single submitter. Criteria: ACMG Guidelines, 2015. Collection method: clinical testing. Allele origin: germline. Observed: 2 variant alleles.
Comment: PP3, PM2_moderate, PM3

Ambry Genetics
Classification: Uncertain significance for Cystic fibrosis. Last evaluated: 2024-02-14. Review status: criteria provided, single submitter. Criteria: Ambry Variant Classification Scheme 2023. Collection method: clinical testing. Allele origin: germline.
Comment: The p.V920M variant (also known as c.2758G>A), located in coding exon 17 of the CFTR gene, results from a G to A substitution at nucleotide position 2758. The valine at codon 920 is replaced by methionine, an amino acid with highly similar properties. This variant was reported in multiple individuals with CFTR-related disorders, including recurrent pancreatitis, congenital bilateral absence of the vas deferens, and disseminated bronchiectasis; however, complete genotype information was not provided (Bernardino AL et al. JOP, 2003 Sep;4:169-77; Amato F et al. J Mol Diagn, 2012 Jan;14:81-9). This amino acid position is highly conserved in available vertebrate species. In addition, this alteration is predicted to be deleterious by in silico analysis. Based on the available evidence, the clinical significance of this alteration remains unclear.

Quest Diagnostics Nichols Institute San Juan Capistrano
Classification: Uncertain significance. Last evaluated: 2024-02-06. Review status: criteria provided, single submitter. Criteria: Quest Diagnostics criteria. Collection method: clinical testing. Allele origin: unknown.
Comment: The CFTR c.2758G>A (p.Val920Met) variant has been reported in the published literature in individuals affected with cystic fibrosis (CF) (PMIDs: 36409994 (2022), 35313924 (2022), 12167682 (2002), 10923036 (2000)) and CFTR-related disorders (PMIDs: 23951356 (2013), 23687349 (2013), 22020151 (2012), 16134171 (2005), 14526128 (2003), 10923036 (2000)), however, genotype/phenotype data are limited and no definitive associations can be made at this time. It was also seen with two other deleterious variants in an individual affected with pancreatic-insufficient CF, suggesting this variant may not have been the cause of disease (PMID: 9881185 (1998)). This variant was also identified in reportedly healthy individuals (PMIDs: 21520337 (2011), 15241793 (2004)). The frequency of this variant in the general population, 0.00065 (20/30616 chromosomes (Genome Aggregation Database)), is uninformative in the assessment of its pathogenicity. Analysis of this variant using bioinformatics tools for the prediction of the effect of amino acid changes on protein structure and function yielded predictions that this variant is damaging. Based on the available information, we are unable to determine the clinical significance of this variant.